The following is an entry in ClinVar:

NM_000158.4(GBE1):c.1561_1562delinsGCGT (p.Lys521fs)

Gene: GBE1 (1,4-alpha-glucan branching enzyme 1; minus strand). Cytogenetic location: 3p12.2.
Variant type: Indel.
Coding change: c.1561_1562delinsGCGT on transcript NM_000158.4 (MANE Select); coding-DNA positions 1561 to 1562, AA replaced by GCGT.
Protein change: p.Lys521fs; shifts the reading frame from lysine 521.
Molecular consequence: frameshift variant.
Genome position (GRCh38, 1-based): chr3:81,577,981-81,577,982, TT replaced by ACGC on the plus strand (AA replaced by GCGT on the coding strand, the reverse complement: GBE1 is on the minus strand). VCF-style: chr3-81577981-TT-ACGC. GRCh37 (hg19) VCF-style: chr3-81627132-TT-ACGC.
Other names: short protein forms K521fs.
Identifiers: ClinVar variation 5010508 (VCV005010508.1).

ClinVar aggregate classification (germline): Pathogenic (1 of 4 stars; one submission).

Conditions:
Glycogen storage disease, type IV (GSD4). Also called: AMYLOPECTINOSIS; ANDERSEN DISEASE; BRANCHER DEFICIENCY; CIRRHOSIS, FAMILIAL, WITH DEPOSITION OF ABNORMAL GLYCOGEN; GBE1 DEFICIENCY; GLYCOGEN BRANCHING ENZYME DEFICIENCY. Identifiers: Orphanet 367, MedGen C0017923, MONDO:0009292, OMIM 232500.

Submission:

Myriad Genetics, Inc.
Classification: Pathogenic for Glycogen storage disease, type IV. Last evaluated: 2024-05-14. Review status: criteria provided, single submitter. Criteria: Myriad Autosomal Dominant, Autosomal Recessive and X-Linked Classification Criteria (2023). Collection method: clinical testing. Allele origin: unknown.
Comment: NM_000158.3(GBE1):c.1561_1562delAAinsGCGT(K521Afs*2) is expected to be pathogenic in the context of glycogen storage disease, GBE1-related. This variant is predicted to lead to an abnormal or absent protein product due to the creation of a premature termination codon in GBE1, a gene where loss-of-function variants are known to be pathogenic. Please note: this variant was assessed in the context of healthy population screening.